The following is an entry in ClinVar:

ClinVar aggregate classification (germline): Uncertain significance. Review status: criteria provided, multiple submitters, no conflicts (2 of 4 stars). 3 submissions from 3 submitters: Uncertain significance (3). Last evaluated 2025-10-20.

Conditions:
Nephronophthisis. Also called: Juvenile Nephronophthisis. Identifiers: Orphanet 655, MedGen C0687120, MONDO:0019005, HP:0000090.
Jeune thoracic dystrophy. Also called: Jeune syndrome; Infantile thoracic dystrophy; Thoracic pelvic phalangeal dystrophy; Jeune's syndrome; Chondroectodermal dysplasia-like syndrome; Short-rib thoracic dysplasia. Identifiers: Orphanet 474, MedGen C0265275, MONDO:0018770.
TTC21B-related disorder. Also called: TTC21B-related disorders; TTC21B-related condition.
Inborn genetic diseases. Identifiers: MedGen C0950123, MeSH D030342.

Submissions (3):

PreventionGenetics, part of Exact Sciences
Classification: Uncertain significance for TTC21B-related condition. Last evaluated: 2025-10-20. Review status: criteria provided, single submitter. Criteria: ACMG Guidelines, 2015. Collection method: clinical testing. Allele origin: germline.
Comment: The TTC21B c.2788G>A variant is predicted to result in the amino acid substitution p.Ala930Thr. To our knowledge, this variant has not been reported in the literature or in a large population database (gnomAD), indicating this variant is rare. At this time, the clinical significance of this variant is uncertain due to the absence of conclusive functional and genetic evidence.

Ambry Genetics
Classification: Uncertain significance for Inborn genetic diseases. Last evaluated: 2025-06-22. Review status: criteria provided, single submitter. Criteria: Ambry Variant Classification Scheme 2023. Collection method: clinical testing. Allele origin: germline.

Labcorp Genetics (formerly Invitae), Labcorp
Classification: Uncertain significance for Jeune thoracic dystrophy; Nephronophthisis. Last evaluated: 2022-07-09. Review status: criteria provided, single submitter. Criteria: Invitae Variant Classification Sherloc (09022015). Collection method: clinical testing. Allele origin: germline.
Comment: This sequence change replaces alanine, which is neutral and non-polar, with threonine, which is neutral and polar, at codon 930 of the TTC21B protein (p.Ala930Thr). This variant is not present in population databases (gnomAD no frequency). This variant has not been reported in the literature in individuals affected with TTC21B-related conditions. ClinVar contains an entry for this variant (Variation ID: 1416569). Algorithms developed to predict the effect of missense changes on protein structure and function (SIFT, PolyPhen-2, Align-GVGD) all suggest that this variant is likely to be tolerated. In summary, the available evidence is currently insufficient to determine the role of this variant in disease. Therefore, it has been classified as a Variant of Uncertain Significance.

NM_024753.5(TTC21B):c.2788G>A (p.Ala930Thr)

Gene: TTC21B (tetratricopeptide repeat domain 21B; minus strand). Cytogenetic location: 2q24.3.
Variant type: single nucleotide variant.
Coding change: c.2788G>A on transcript NM_024753.5 (MANE Select); coding-DNA position 2788, G replaced by A.
Protein change: p.Ala930Thr; replaces alanine 930 with threonine.
Molecular consequence: missense variant.
Genome position (GRCh38, 1-based): chr2:165,899,850, C>T on the plus strand (G>A on the coding strand, the complement: TTC21B is on the minus strand). VCF-style: chr2-165899850-C-T. GRCh37 (hg19) VCF-style: chr2-166756360-C-T.
Other names: c.2788G>A (NM_024753.3, NM_024753.4); short protein forms A930T.
Identifiers: ClinVar variation 1416569 (VCV001416569.7), dbSNP rs1685493323, ClinGen allele CA349050441.
Genomic context (GRCh38, chr2:165,899,850, plus strand): 5'-CCTGGTCACTCTGAAGCAGTAGAGCACACTGCCGCAGGCAGGAATCAGGGTCATCTTGTG[C>T]CAGGTATAATCGTGCCAGTTCCAACATAATCTGTAGAGCAAAGGGCTAGATTCATCAGAC-3'
Protein context (NP_079029.3, residues 920-940): IMLELARLYL[Ala930Thr]QDDPDSCLRQ